The following is an entry in ClinVar:

ClinVar aggregate classification (germline): Pathogenic (1 of 4 stars; one submission).

Conditions:
Spastic paraplegia. Identifiers: MedGen C0037772, HP:0001258.

Submission:

Labcorp Genetics (formerly Invitae), Labcorp
Classification: Pathogenic for Spastic paraplegia. Last evaluated: 2023-02-21. Review status: criteria provided, single submitter. Criteria: Invitae Variant Classification Sherloc (09022015). Collection method: clinical testing. Allele origin: germline.
Comment: This sequence change creates a premature translational stop signal (p.Cys364Serfs*7) in the CYP2U1 gene. It is expected to result in an absent or disrupted protein product. Loss-of-function variants in CYP2U1 are known to be pathogenic (PMID: 23176821, 26936192, 27292318). This variant is not present in population databases (gnomAD no frequency). This variant has not been reported in the literature in individuals affected with CYP2U1-related conditions. For these reasons, this variant has been classified as Pathogenic.

Literature cited by the submitters: PubMed 23176821; PubMed 26936192; PubMed 27292318.

NM_183075.3(CYP2U1):c.1091del (p.Cys364fs)

Gene: CYP2U1 (cytochrome P450 family 2 subfamily U member 1; plus strand). Cytogenetic location: 4q25.
Variant type: Deletion.
Coding change: c.1091del on transcript NM_183075.3 (MANE Select); coding-DNA position 1091, one base deleted (G; older notation c.1091delG).
Protein change: p.Cys364fs; shifts the reading frame from cysteine 364.
Molecular consequence: frameshift variant.
Genome position (GRCh38, 1-based): chr4:107,945,570, G deleted. VCF-style (leftmost placement, unchanged base first): chr4-107945569-TG-T. GRCh37 (hg19) VCF-style: chr4-108866725-TG-T.
Other names: short protein forms C364fs.
Identifiers: ClinVar variation 2826361 (VCV002826361.3), dbSNP rs2477025279, ClinGen allele CA2739270228.